The following is an entry in ClinVar:

NM_000090.4(COL3A1):c.877A>G (p.Asn293Asp)

Gene: COL3A1 (collagen type III alpha 1 chain; plus strand). Cytogenetic location: 2q32.2.
Variant type: single nucleotide variant.
Coding change: c.877A>G on transcript NM_000090.4 (MANE Select); coding-DNA position 877, A replaced by G.
Protein change: p.Asn293Asp; replaces asparagine 293 with aspartic acid.
Molecular consequence: missense variant.
Genome position (GRCh38, 1-based): chr2:188,991,511, A>G. VCF-style: chr2-188991511-A-G. GRCh37 (hg19) VCF-style: chr2-189856237-A-G.
Other names: short protein forms N293D.
Identifiers: ClinVar variation 429338 (VCV000429338.10), dbSNP rs1131691328, ClinGen allele CA349849915.

ClinVar aggregate classification (germline): Uncertain significance. Review status: criteria provided, multiple submitters, no conflicts (2 of 4 stars). 2 submissions from 2 submitters: Uncertain significance (2). Last evaluated 2022-06-03.

Conditions:
Ehlers-Danlos syndrome, type 4 (EDSVASC). Also called: Ehlers-Danlos Syndrome Type IV; Ehlers-Danlos syndrome vascular type; Ehlers Danlos syndrome, ecchymotic type; Ehlers Danlos syndrome, arterial type; Ehlers Danlos syndrome, Sack-Barabas type. Identifiers: Orphanet 286, MedGen C0268338, MONDO:0017314, OMIM 130050.

Submissions (2):

Labcorp Genetics (formerly Invitae), Labcorp
Classification: Uncertain significance for Ehlers-Danlos syndrome, type 4. Last evaluated: 2022-06-03. Review status: criteria provided, single submitter. Criteria: Invitae Variant Classification Sherloc (09022015). Collection method: clinical testing. Allele origin: germline.
Comment: This missense change has been observed in individual(s) with clinical features of COL3A1-related conditions (Invitae). This variant is not present in population databases (gnomAD no frequency). This sequence change replaces asparagine, which is neutral and polar, with aspartic acid, which is acidic and polar, at codon 293 of the COL3A1 protein (p.Asn293Asp). ClinVar contains an entry for this variant (Variation ID: 429338). In summary, the available evidence is currently insufficient to determine the role of this variant in disease. Therefore, it has been classified as a Variant of Uncertain Significance. Advanced modeling of protein sequence and biophysical properties (such as structural, functional, and spatial information, amino acid conservation, physicochemical variation, residue mobility, and thermodynamic stability) performed at Invitae indicates that this missense variant is not expected to disrupt COL3A1 protein function.

GeneDx
Classification: Uncertain significance. Last evaluated: 2017-05-05. Review status: criteria provided, single submitter. Criteria: GeneDx Variant Classification (06012015). Collection method: clinical testing. Allele origin: germline. Affected: yes.
Comment: A variant of uncertain significance has been identified in the COL3A1 gene. The N293D variant has not been published as pathogenic or been reported as benign to our knowledge. Thid variant is not observed in large population cohorts (Lek et al., 2016; 1000 Genomes Consortium et al., 2015; Exome Variant Server). The N293D variant is a semi-conservative amino acid substitution, which may impact secondary protein structure as these residues differ in some properties. This substitution occurs at a position that is conserved across species and in silico analysis predicts this variant is probably damaging to the protein structure/function. However, while the N293D variant is located in the triple helical region of the COL3A1 gene, it does not affect a Glycine residue in a Gly-X-Y motif, as the majority of pathogenic missense variants do (Stenson et al., 2014; Symoens et al., 2012).